The following is an entry in ClinVar:

ClinVar aggregate classification (germline): Uncertain significance (1 of 4 stars; one submission).

Conditions:
Cardiovascular phenotype. Identifiers: MedGen CN230736.

Submission:

Ambry Genetics
Classification: Uncertain significance for Cardiovascular phenotype. Last evaluated: 2023-10-02. Review status: criteria provided, single submitter. Criteria: Ambry Variant Classification Scheme 2023. Collection method: clinical testing. Allele origin: germline.
Comment: The c.594delC variant, located in coding exon 4 of the LDB3 gene, results from a deletion of one nucleotide at nucleotide position 594, causing a translational frameshift with a predicted alternate stop codon (p.I199Lfs*9). This alteration is expected to result in protein truncation or nonsense-mediated mRNA decay. However, loss of function of LDB3 has not been established as a mechanism of disease. Since supporting evidence is limited at this time, the clinical significance of this alteration remains unclear.

NM_007078.3(LDB3):c.594del (p.Ile199fs)

Gene: LDB3 (LIM domain binding 3; plus strand). Cytogenetic location: 10q23.2.
Variant type: Deletion.
Coding change: c.594del on transcript NM_007078.3 (MANE Select); coding-DNA position 594, one base deleted (C; older notation c.594delC).
Protein change: p.Ile199fs; shifts the reading frame from isoleucine 199.
Molecular consequence: frameshift variant. On other transcripts: intron variant (5).
Genome position (GRCh38, 1-based): chr10:86,681,708, C deleted; the last of 4 consecutive C bases (chr10:86,681,705-86,681,708); deleting any one gives the same sequence. VCF-style (leftmost placement, unchanged base first): chr10-86681704-AC-A. GRCh37 (hg19) VCF-style: chr10-88441461-AC-A.
Other names: c.594del, p.Ile199fs (NM_001080115.2, NM_001171610.2, NM_001171611.2 and 3 more transcripts); c.321+1551del (NM_001368068.1, NM_001368066.1, NM_001080114.2 and 2 more transcripts); short protein forms I199fs.
Identifiers: ClinVar variation 3225987 (VCV003225987.1), dbSNP rs2492593710, ClinGen allele CA2825001707.